The following is an entry in ClinVar:

NM_017617.5(NOTCH1):c.4445A>G (p.Asn1482Ser)

Gene: NOTCH1 (notch receptor 1; minus strand). Cytogenetic location: 9q34.3.
Variant type: single nucleotide variant.
Coding change: c.4445A>G on transcript NM_017617.5 (MANE Select); coding-DNA position 4445, A replaced by G.
Protein change: p.Asn1482Ser; replaces asparagine 1482 with serine.
Molecular consequence: missense variant.
Genome position (GRCh38, 1-based): chr9:136,505,451, T>C on the plus strand (A>G on the coding strand, the complement: NOTCH1 is on the minus strand). VCF-style: chr9-136505451-T-C. GRCh37 (hg19) VCF-style: chr9-139399903-T-C.
Other names: short protein forms N1482S.
Identifiers: ClinVar variation 3708702 (VCV003708702.2).

ClinVar aggregate classification (germline): Uncertain significance (1 of 4 stars; one submission).

Conditions:
Adams-Oliver syndrome 5 (AOS5). Identifiers: Orphanet 974, MedGen C4014970, MONDO:0014459, OMIM 616028.

gnomAD v4.1: 5 of 1,612,754 alleles (0.00031%); highest among the groups gnomAD compares: Admixed American, 0.005%; no homozygotes.

Submission:

Labcorp Genetics (formerly Invitae), Labcorp
Classification: Uncertain significance for Adams-Oliver syndrome 5. Last evaluated: 2024-04-25. Review status: criteria provided, single submitter. Criteria: Invitae Variant Classification Sherloc (09022015). Collection method: clinical testing. Allele origin: germline.
Comment: This sequence change replaces asparagine, which is neutral and polar, with serine, which is neutral and polar, at codon 1482 of the NOTCH1 protein (p.Asn1482Ser). This variant is not present in population databases (gnomAD no frequency). This variant has not been reported in the literature in individuals affected with NOTCH1-related conditions. Advanced modeling of protein sequence and biophysical properties (such as structural, functional, and spatial information, amino acid conservation, physicochemical variation, residue mobility, and thermodynamic stability) performed at Invitae indicates that this missense variant is not expected to disrupt NOTCH1 protein function with a negative predictive value of 80%. In summary, the available evidence is currently insufficient to determine the role of this variant in disease. Therefore, it has been classified as a Variant of Uncertain Significance.